The following is an entry in ClinVar:

NM_002184.4(IL6ST):c.2687C>T (p.Ala896Val)

Gene: IL6ST (interleukin 6 cytokine family signal transducer; minus strand). Cytogenetic location: 5q11.2.
Variant type: single nucleotide variant.
Coding change: c.2687C>T on transcript NM_002184.4 (MANE Select); coding-DNA position 2687, C replaced by T.
Protein change: p.Ala896Val; replaces alanine 896 with valine.
Molecular consequence: missense variant. On other transcripts: 3 prime UTR variant (1), non-coding transcript variant (2).
Genome position (GRCh38, 1-based): chr5:55,941,152, G>A on the plus strand (C>T on the coding strand, the complement: IL6ST is on the minus strand). VCF-style: chr5-55941152-G-A. GRCh37 (hg19) VCF-style: chr5-55236980-G-A.
Other names: c.2504C>T, p.Ala835Val (NM_001190981.2); c.2585C>T, p.Ala862Val (NM_001364275.2); c.2477C>T, p.Ala826Val (NM_001364276.2); c.1820C>T, p.Ala607Val (NM_001364277.2); c.1784C>T, p.Ala595Val (NM_001364278.2); c.1691C>T, p.Ala564Val (NM_001364279.2); c.*1614C>T (NM_175767.3); short protein forms A595V, A607V, A896V, A564V, A826V, A835V, A862V.
Identifiers: ClinVar variation 3713028 (VCV003713028.2).

ClinVar aggregate classification (germline): Uncertain significance (1 of 4 stars; one submission).

gnomAD v4.1: 33 of 1,613,952 alleles (0.002%); highest among the groups gnomAD compares: South Asian, 0.0044%; no homozygotes.

Submission:

Labcorp Genetics (formerly Invitae), Labcorp
Classification: Uncertain significance. Last evaluated: 2025-08-12. Review status: criteria provided, single submitter. Criteria: Invitae Variant Classification Sherloc (09022015). Collection method: clinical testing. Allele origin: germline.
Comment: This sequence change replaces alanine, which is neutral and non-polar, with valine, which is neutral and non-polar, at codon 896 of the IL6ST protein (p.Ala896Val). This variant is present in population databases (rs754073856, gnomAD 0.006%). This variant has not been reported in the literature in individuals affected with IL6ST-related conditions. ClinVar contains an entry for this variant (Variation ID: 3713028). An algorithm developed to predict the effect of missense changes on protein structure and function outputs the following: PolyPhen-2: "Benign". The valine amino acid residue is found in multiple mammalian species, which suggests that this missense change does not adversely affect protein function. In summary, the available evidence is currently insufficient to determine the role of this variant in disease. Therefore, it has been classified as a Variant of Uncertain Significance.